The following is an entry in ClinVar:

ClinVar aggregate classification (germline): Pathogenic/Likely pathogenic. Review status: criteria provided, multiple submitters, no conflicts (2 of 4 stars). 4 submissions from 4 submitters: Pathogenic (1); Likely pathogenic (2). 1 of the submissions does not count toward it. Last evaluated 2025-02-17.

Conditions:
RPGR-related disorder. Also called: RPGR-related condition.
Retinitis pigmentosa 3. Also called: CHOROIDORETINAL DEGENERATION WITH RETINAL REFLEX IN HETEROZYGOUS WOMEN. Identifiers: Orphanet 791, MedGen C1845667, MONDO:0010227, OMIM 300029.
Primary ciliary dyskinesia. Also called: Ciliary dyskinesia. Identifiers: Orphanet 244, MedGen C0008780, MONDO:0016575, HP:0012265.
X-linked cone-rod dystrophy. Identifiers: MedGen CN323387, MONDO:0021155.

Submissions (4):

3billion
Classification: Likely pathogenic for Retinitis pigmentosa 3. Last evaluated: 2025-02-17. Review status: criteria provided, single submitter. Criteria: ACMG Guidelines, 2015. Collection method: clinical testing. Allele origin: germline. Affected: yes.
Comment: The variant is not observed in the gnomAD v4.1.0 dataset. Predicted Consequence/Location: Intron variant In silico tools predict the variant to alter splicing and produce an abnormal transcript [SpliceAI: 0.80 (>=0.2, moderate evidence for spliceogenicity)]. The variant has been observed in multiple (>3) similarly affected unrelated individuals, and reported to co-segregate with the disease in at least 3 similarly affected relatives/individuals in the same family or similarly affected unrelated families (PMID: 36882936). Therefore, this variant is classified as Likely pathogenic according to the recommendation of ACMG/AMP guideline.

Blueprint Genetics
Classification: Likely pathogenic for RPGR-related disorders. Last evaluated: 2024-11-26. Review status: criteria provided, single submitter. Criteria: ACMG Guidelines, 2015. Collection method: clinical testing. Allele origin: germline. Affected: yes. Observed: 1 variant allele.

Labcorp Genetics (formerly Invitae), Labcorp
Classification: Pathogenic for Primary ciliary dyskinesia. Last evaluated: 2024-07-31. Review status: criteria provided, single submitter. Criteria: Invitae Variant Classification Sherloc (09022015). Collection method: clinical testing. Allele origin: germline.
Comment: This sequence change falls in intron 3 of the RPGR gene. It does not directly change the encoded amino acid sequence of the RPGR protein. This variant is not present in population databases (gnomAD no frequency). This variant has been observed in individuals with rod cone dystrophy (PMID: 36882936). It has also been observed to segregate with disease in related individuals. ClinVar contains an entry for this variant (Variation ID: 2430150). Algorithms developed to predict the effect of sequence changes on RNA splicing suggest that this variant may disrupt the consensus splice site. For these reasons, this variant has been classified as Pathogenic.

Genetic Eye Disease Investigation Unit, University of Auckland
Classification: Uncertain significance for X-LINKED ROD CONE DYSTROPHY. Last evaluated: 2023-01-03. Review status: no assertion criteria provided. Collection method: clinical testing. Allele origin: maternal. Affected: yes. Observed: 12 variant alleles. Clinical features observed: Rod-cone dystrophy (HP:0000510). Not counted in ClinVar's aggregate classification.

Literature cited by the submitters: PubMed 36882936 (cited by 3billion and Labcorp Genetics (formerly Invitae), Labcorp).

NM_001034853.2(RPGR):c.248-10A>G

Gene: RPGR (retinitis pigmentosa GTPase regulator; minus strand). Cytogenetic location: Xp11.4.
Variant type: single nucleotide variant.
Coding change: c.248-10A>G on transcript NM_001034853.2 (MANE Select); 10 bases into the intron before coding-DNA position 248, A replaced by G.
Molecular consequence: intron variant.
Genome position (GRCh38, 1-based): chrX:38,321,099, T>C on the plus strand (A>G on the coding strand, the complement: RPGR is on the minus strand). VCF-style: chrX-38321099-T-C. GRCh37 (hg19) VCF-style: chrX-38180352-T-C.
Other names: c.248-10A>G (NM_001367249.1, NM_001367250.1, NM_001367245.1 and 4 more transcripts); c.278-10A>G (NM_001367248.1).
Identifiers: ClinVar variation 2430150 (VCV002430150.5), dbSNP rs2519902575, ClinGen allele CA2580100833.
Genomic context (GRCh38, chrX:38,321,099, plus strand): 5'-GGGTGTGGTTCCTTCCACAGGCAGCTAATTTCACTTTTTCAGGTTTTAGAGCTAAAAATA[T>C]TTAAAATGGGACAATTATTTTATAGCAATGAAAATGAACAGTAGTCCAGGACAAATGGTA-3'